The following is an entry in ClinVar:

ClinVar aggregate classification (germline): Uncertain significance (1 of 4 stars; one submission).

Conditions:
DICER1-related tumor predisposition. Also called: DICER1 syndrome; DICER1-related pleuropulmonary blastoma cancer predisposition syndrome. Identifiers: Orphanet 284343, MedGen C3839822, MONDO:0100216.

Submission:

Labcorp Genetics (formerly Invitae), Labcorp
Classification: Uncertain significance for DICER1-related tumor predisposition. Last evaluated: 2022-07-06. Review status: criteria provided, single submitter. Criteria: Invitae Variant Classification Sherloc (09022015). Collection method: clinical testing. Allele origin: germline.
Comment: In summary, the available evidence is currently insufficient to determine the role of this variant in disease. Therefore, it has been classified as a Variant of Uncertain Significance. Algorithms developed to predict the effect of missense changes on protein structure and function are either unavailable or do not agree on the potential impact of this missense change (SIFT: "Deleterious"; PolyPhen-2: "Benign"; Align-GVGD: "Class C25"). This variant has not been reported in the literature in individuals affected with DICER1-related conditions. This variant is not present in population databases (gnomAD no frequency). This sequence change replaces leucine, which is neutral and non-polar, with proline, which is neutral and non-polar, at codon 1178 of the DICER1 protein (p.Leu1178Pro).

NM_177438.3(DICER1):c.3533T>C (p.Leu1178Pro)

Gene: DICER1 (dicer 1, ribonuclease III; minus strand). Cytogenetic location: 14q32.13.
Variant type: single nucleotide variant.
Coding change: c.3533T>C on transcript NM_177438.3 (MANE Select); coding-DNA position 3533, T replaced by C.
Protein change: p.Leu1178Pro; replaces leucine 1178 with proline.
Molecular consequence: missense variant. On other transcripts: non-coding transcript variant (6).
Genome position (GRCh38, 1-based): chr14:95,103,863, A>G on the plus strand (T>C on the coding strand, the complement: DICER1 is on the minus strand). VCF-style: chr14-95103863-A-G. GRCh37 (hg19) VCF-style: chr14-95570200-A-G.
Other names: c.3533T>C, p.Leu1178Pro (NM_001195573.1, NM_001271282.3, NM_001291628.2 and 13 more transcripts); c.3251T>C, p.Leu1084Pro (NM_001395686.1); c.3128T>C, p.Leu1043Pro (NM_001395687.1, NM_001395688.1, NM_001395689.1 and 2 more transcripts); c.2966T>C, p.Leu989Pro (NM_001395691.1); c.1850T>C, p.Leu617Pro (NM_001395697.1); short protein forms L1084P, L1043P, L989P, L1178P, L617P.
Identifiers: ClinVar variation 2014335 (VCV002014335.4), dbSNP rs1412362102, ClinGen allele CA390875042.